The following is an entry in ClinVar:

ClinVar aggregate classification (germline): Uncertain significance (1 of 4 stars; one submission).

gnomAD v4.1: 1 of 1,211,433 alleles (0.000083%); no homozygotes.

Submission:

Labcorp Genetics (formerly Invitae), Labcorp
Classification: Uncertain significance. Last evaluated: 2025-07-29. Review status: criteria provided, single submitter. Criteria: Invitae Variant Classification Sherloc (09022015). Collection method: clinical testing. Allele origin: germline.
Comment: This sequence change replaces asparagine, which is neutral and polar, with serine, which is neutral and polar, at codon 826 of the NEXMIF protein (p.Asn826Ser). This variant is not present in population databases (gnomAD no frequency). This variant has not been reported in the literature in individuals affected with NEXMIF-related conditions. An algorithm developed to predict the effect of missense changes on protein structure and function outputs the following: PolyPhen-2: "Benign". The serine amino acid residue is found in multiple mammalian species, which suggests that this missense change does not adversely affect protein function. In summary, the available evidence is currently insufficient to determine the role of this variant in disease. Therefore, it has been classified as a Variant of Uncertain Significance.

NM_001008537.3(NEXMIF):c.2477A>G (p.Asn826Ser)

Gene: NEXMIF (neurite extension and migration factor; minus strand). Cytogenetic location: Xq13.3.
Variant type: single nucleotide variant.
Coding change: c.2477A>G on transcript NM_001008537.3 (MANE Select); coding-DNA position 2477, A replaced by G.
Protein change: p.Asn826Ser; replaces asparagine 826 with serine.
Molecular consequence: missense variant.
Genome position (GRCh38, 1-based): chrX:74,742,080, T>C on the plus strand (A>G on the coding strand, the complement: NEXMIF is on the minus strand). VCF-style: chrX-74742080-T-C. GRCh37 (hg19) VCF-style: chrX-73961915-T-C.
Other names: short protein forms N826S.
Identifiers: ClinVar variation 4762140 (VCV004762140.1).
Genomic context (GRCh38, chrX:74,742,080, plus strand): 5'-GTGAGGCTGCCTTCATTTTGCTCTGGAGAATGGTGGCTGAAGTATGAGATACTAGTGTTA[T>C]TTGACAAGTCAGAAGCATCTAACAATGTCTGCAGATACCCTCCCGGGATAACAGGTATAT-3'
Protein context (NP_001008537.1, residues 816-836): QTLLDASDLS[Asn826Ser]NTSISYFSHH